The following is an entry in ClinVar:

ClinVar aggregate classification (germline): Uncertain significance. Review status: criteria provided, multiple submitters, no conflicts (2 of 4 stars). 2 submissions from 2 submitters: Uncertain significance (2). Last evaluated 2026-04-11.

Conditions:
Autosomal dominant nonsyndromic hearing loss 6 (LFSNHL). Also called: DEAFNESS, AUTOSOMAL DOMINANT 6; DEAFNESS, AUTOSOMAL DOMINANT 14; DEAFNESS, AUTOSOMAL DOMINANT 38; Autosomal dominant nonsyndromic deafness 6. Identifiers: Orphanet 90635, MedGen C1833021, MONDO:0010963, OMIM 600965.
WFS1-related disorder. Identifiers: MedGen CN379391, MONDO:0700293.

gnomAD v4.1: 4 of 1,614,038 alleles (0.00025%); highest among the groups gnomAD compares: Admixed American, 0.0017%; no homozygotes.

Submissions (2):

PreventionGenetics, part of Exact Sciences
Classification: Uncertain significance for WFS1-related condition. Last evaluated: 2026-04-11. Review status: criteria provided, single submitter. Criteria: ACMG Guidelines, 2015. Collection method: clinical testing. Allele origin: germline.
Comment: The WFS1 c.1084C>G variant is predicted to result in the amino acid substitution p.Leu362Val. To our knowledge, this variant has not been reported in the literature. This variant is reported in 0.00088% of alleles in individuals of European (Non-Finnish) descent in gnomAD. At this time, the clinical significance of this variant is uncertain due to the absence of conclusive functional and genetic evidence.

3billion
Classification: Uncertain significance for Autosomal dominant nonsyndromic hearing loss 6. Last evaluated: 2024-10-31. Review status: criteria provided, single submitter. Criteria: ACMG Guidelines, 2015. Collection method: clinical testing. Allele origin: germline. Affected: yes.
Comment: The variant is observed at an extremely low frequency in the gnomAD v4.1.0 dataset (total allele frequency: <0.001%). Predicted Consequence/Location: Missense variant In silico tool predictions suggest damaging effect of the variant on gene or gene product [REVEL: 0.69 (>=0.6, sensitivity 0.68 and specificity 0.92); 3Cnet: 0.93 (>=0.6, sensitivity 0.72 and precision 0.9)]. Different missense changes at the same codon have been reported as of uncertain significance (ClinVar ID: VCV002557658). Therefore, this variant is classified as VUS according to the recommendation of ACMG/AMP guideline.

NM_006005.3(WFS1):c.1084C>G (p.Leu362Val)

Gene: WFS1 (wolframin ER transmembrane glycoprotein; plus strand). Cytogenetic location: 4p16.1.
Variant type: single nucleotide variant.
Coding change: c.1084C>G on transcript NM_006005.3 (MANE Select); coding-DNA position 1084, C replaced by G.
Protein change: p.Leu362Val; replaces leucine 362 with valine.
Molecular consequence: missense variant.
Genome position (GRCh38, 1-based): chr4:6,300,879, C>G. VCF-style: chr4-6300879-C-G. GRCh37 (hg19) VCF-style: chr4-6302606-C-G.
Other names: c.1084C>G, p.Leu362Val (NM_001145853.1); short protein forms L362V.
Identifiers: ClinVar variation 4293849 (VCV004293849.2).